The following is an entry in ClinVar:

ClinVar aggregate classification (germline): Pathogenic (1 of 4 stars; one submission).

Conditions:
Platelet-type bleeding disorder 18 (BDPLT18). Identifiers: Orphanet 420566, MedGen C4014584, MONDO:0014386, OMIM 615888.

Allele frequency attached by ClinVar (database versions not stated): ExAC 0.00001.

Submission:

ISTH-SSC Genomics in Thrombosis and Hemostasis, KU Leuven, Center for Molecular and Vascular Biology
Classification: Pathogenic for Platelet-type bleeding disorder 18. Review status: criteria provided, single submitter. Criteria: ACMG Guidelines, 2015. Collection method: clinical testing. Allele origin: germline. Affected: yes. Observed: 1 homozygote.
Comment: Submitted to GoldVariant by Jose María Bastida and José Rivera; Grupo Español de Alteraciones Plaquetarias Congénitas (GEAPC)

Literature cited by the submitters: PubMed 27235135.

NM_001098671.2(RASGRP2):c.1142C>T (p.Ser381Phe)

Gene: RASGRP2 (RAS guanyl releasing protein 2; minus strand). Cytogenetic location: 11q13.1.
Variant type: single nucleotide variant.
Coding change: c.1142C>T on transcript NM_001098671.2 (MANE Select); coding-DNA position 1142, C replaced by T.
Protein change: p.Ser381Phe; replaces serine 381 with phenylalanine.
Molecular consequence: missense variant.
Genome position (GRCh38, 1-based): chr11:64,735,934, G>A on the plus strand (C>T on the coding strand, the complement: RASGRP2 is on the minus strand). VCF-style: chr11-64735934-G-A. GRCh37 (hg19) VCF-style: chr11-64503406-G-A.
Other names: c.1142C>T, p.Ser381Phe (NM_001098670.2, NM_153819.2); c.707C>T, p.Ser236Phe (NM_001318398.2); short protein forms S236F, S381F.
Identifiers: ClinVar variation 1677271 (VCV001677271.3), dbSNP rs767965347, ClinGen allele CA6079011.